The following is an entry in ClinVar:

NC_012920.1(MT-TW):m.5540G>A

Gene: MT-TW (mitochondrially encoded tRNA tryptophan; plus strand).
Variant type: single nucleotide variant.
Genome position: chrM-5540-G-A.
Identifiers: ClinVar variation 689933 (VCV000689933.4), dbSNP rs1603220014, ClinGen allele CA913179801.

ClinVar aggregate classification (germline): Uncertain significance. Review status: reviewed by expert panel (3 of 4 stars). 4 submissions from 4 submitters: Uncertain significance (1). 3 of the submissions do not count toward it. Last evaluated 2024-05-13.

Conditions:
Mitochondrial disease. Also called: Mitochondrial disorder; Mitochondrial disorders. Identifiers: Orphanet 68380, MedGen C0751651, MeSH D028361, MONDO:0044970.
Primary Mitochondrial Disorders. Identifiers: MedGen CN381104.
MELAS syndrome (MELAS). Also called: Juvenile myopathy, encephalopathy, lactic acidosis, stroke. Identifiers: Orphanet 550, MedGen C0162671, MONDO:0010789, OMIM 540000.

Submissions (4):

ClinGen Mitochondrial Disease Nuclear and Mitochondrial  Variant Curation Expert Panel, ClinGen
Classification: Uncertain significance for Mitochondrial disease. Last evaluated: 2024-05-13. Review status: reviewed by expert panel. Criteria: clingen mito disease acmg specifications v1-1. Collection method: curation. Allele origin: germline. Inheritance: Mitochondrial inheritance.
Comment: The m.5540G>A variant in MT-TW has been reported in two unrelated individuals with primary mitochondrial disease. Clinical features in these individuals included encephalomyopathy, ataxia, peripheral neuropathy, dementia, dysarthria, muscle hypotrophy, areflexia, apallesthesia, pes cavus, nystagmus, sensorineural hearing loss, and COX-negative and ragged red fibers. The levels of the variant in affected individuals ranged from 25% in blood to 98% in muscle (PS4_supporting; PMIDs: 31965079, 10762520). This variant was de novo in one individual (PM6_supporting, PMID: 31965079), and family members were not available for testing for the other individual (PMID: 10762520). This variant is absent in the GenBank dataset, Helix dataset, and gnomAD v3.1.2 (PM2_supporting). The computational predictor MitoTIP suggests this variant is pathogenic (73.3 percentile) and HmtVAR predicts it to be pathogenic with a score of 1 (PP3). Single fiber testing showed higher levels of the variant in COX-negative fibers (89%) than in COX positive fibers (43%), p<0.0005 (PS3_supporting, PMID: 10762520). In summary, this variant meets criteria to be classified as uncertain significance for primary mitochondrial disease inherited in a mitochondrial manner. This classification was approved by the NICHD/NINDS U24 ClinGen Mitochondrial Disease Variant Curation Expert Panel on May 13, 2024. Mitochondrial DNA-specific ACMG/AMP criteria applied (PMID: 32906214): PS4_supporting, PM2_supporting, PP3, PM6_supporting, PS3_supporting.

Variantyx, Inc.
Classification: Likely pathogenic for Primary mitochondrial disorders. Last evaluated: 2025-11-11. Review status: criteria provided, single submitter. Criteria: Variantyx Assertion Criteria 2022. Collection method: clinical testing. Allele origin: germline. Not counted in ClinVar's aggregate classification.
Comment: The m.5540G>A change is a variant in the MT-TW gene which encodes the mitochondrial transfer RNA for tryptophan. Pathogenic variants in this gene have been associated with primary mitochondrial disorders. This variant has been reported in at least 4 unrelated affected individual(s) (PMID: 27618137, 25302159, 31965079 , 23847141, 10762520) (PS4_Moderate). Functional studies suggest \ a deleterious effect for this variant (PMID: 10762520) (PS3), and computational algorithms support a deleterious effect on the gene or gene product (Aggregate Predicted Severity Score: 0.83) (PP3). This variant is absent from control populations (PM2). Based on the current evidence, this variant is classified as likely pathogenic for primary mitochondrial disorders.

Mendelics
Classification: Pathogenic for MELAS syndrome. Last evaluated: 2022-05-04. Review status: criteria provided, single submitter. Criteria: Mendelics Assertion Criteria 2019. Collection method: clinical testing. Allele origin: germline. Not counted in ClinVar's aggregate classification.

Wong Mito Lab, Molecular and Human Genetics, Baylor College of Medicine
Classification: Pathogenic for MELAS syndrome. Last evaluated: 2019-07-12. Review status: criteria provided, single submitter. Criteria: Modified ACMG Guidelines (Unpublished). Collection method: clinical testing. Allele origin: germline. Not counted in ClinVar's aggregate classification.
Comment: The NC_012920.1:m.5540G>A variant in MT-TW gene is interpreted to be a Pathogenic variant based on the modified ACMG guidelines (unpublished). This variant meets the following evidence codes reported in the guidelines: PS3, PM7, PM8, PM9, PP4, PP6

Literature cited by the submitters: PubMed 31965079 (cited by Wong Mito Lab, Molecular and Human Genetics, Baylor College of Medicine); PubMed 10762520 (cited by Wong Mito Lab, Molecular and Human Genetics, Baylor College of Medicine).